The following is an entry in ClinVar:

ClinVar aggregate classification (germline): Benign. Review status: criteria provided, multiple submitters, no conflicts (2 of 4 stars). 2 submissions from 2 submitters: Benign (2). Last evaluated 2020-07-15.

Allele frequency attached by ClinVar (database versions not stated): 1000 Genomes Project 0.12560; 1000 Genomes Project 30x 0.12617; TOPMed 0.18728; gnomAD 0.19577 and 0.19850; gnomAD exomes 0.22034.
gnomAD v4.1: 80,023 of 380,482 alleles (21%); highest among the groups gnomAD compares: Middle Eastern, 26%; 9,784 homozygotes.

Submissions (2):

GeneDx
Classification: Benign. Last evaluated: 2020-07-15. Review status: criteria provided, single submitter. Criteria: GeneDx Variant Classification Process June 2021. Collection method: clinical testing. Allele origin: germline. Affected: yes.
Comment: This variant is associated with the following publications: (PMID: 24391914)

Breakthrough Genomics
Classification: Benign. Review status: criteria provided, single submitter. Criteria: ACMG Guidelines, 2015. Collection method: not provided. Allele origin: germline. Inheritance: Autosomal dominant inheritance. Affected: yes.

NM_130811.4(SNAP25):c.*243T>C

Gene: SNAP25 (synaptosome associated protein 25; plus strand). Cytogenetic location: 20p12.2.
Variant type: single nucleotide variant.
Coding change: c.*243T>C on transcript NM_130811.4 (MANE Select); 243 bases downstream of the stop codon, T replaced by C.
Molecular consequence: 3 prime UTR variant.
Genome position (GRCh38, 1-based): chr20:10,306,440, T>C. VCF-style: chr20-10306440-T-C. GRCh37 (hg19) VCF-style: chr20-10287088-T-C.
Other names: c.*243T>C (NM_001322902.2, NM_001322903.2, NM_001322904.2 and 7 more transcripts).
Identifiers: ClinVar variation 1228823 (VCV001228823.4), dbSNP rs1051312, ClinGen allele CA14851934.